The following is an entry in ClinVar:

NM_001032382.2(PQBP1):c.142C>G (p.Leu48Val)

Gene: PQBP1 (polyglutamine binding protein 1; plus strand). Cytogenetic location: Xp11.23.
Variant type: single nucleotide variant.
Coding change: c.142C>G on transcript NM_001032382.2 (MANE Select); coding-DNA position 142, C replaced by G.
Protein change: p.Leu48Val; replaces leucine 48 with valine.
Molecular consequence: missense variant.
Genome position (GRCh38, 1-based): chrX:48,901,264, C>G. VCF-style: chrX-48901264-C-G. GRCh37 (hg19) VCF-style: chrX-48758541-C-G.
Other names: c.142C>G, p.Leu48Val (NM_001032381.2, NM_001032383.2, NM_001032384.1 and 5 more transcripts); short protein forms L48V.
Identifiers: ClinVar variation 1199732 (VCV001199732.3), dbSNP rs2147468322, ClinGen allele CA412888267.
Genomic context (GRCh38, chrX:48,901,264, plus strand): 5'-ATCATTGCCGAGGACTATGACGATGATCCTGTGGACTACGAGGCCACCAGGTTGGAGGGC[C>G]TACCACCAAGCTGGTACAAGGTGTTCGACCCTTCCTGGTGAGCCTGGGTGAGGGGGAGCT-3'
Protein context (NP_001027554.1, residues 38-58): VDYEATRLEG[Leu48Val]PPSWYKVFDP

ClinVar aggregate classification (germline): Uncertain significance (1 of 4 stars; one submission).

Submission:

GeneDx
Classification: Uncertain significance. Last evaluated: 2019-05-02. Review status: criteria provided, single submitter. Criteria: GeneDx Variant Classification Process June 2021. Collection method: clinical testing. Allele origin: germline. Affected: yes.
Comment: Not observed in large population cohorts (Lek et al., 2016); In silico analysis, which includes protein predictors and evolutionary conservation, supports a deleterious effect; Has not been previously published as pathogenic or benign to our knowledge